The following is an entry in ClinVar:

ClinVar aggregate classification (germline): Pathogenic. Review status: criteria provided, multiple submitters, no conflicts (2 of 4 stars). 2 submissions from 2 submitters: Pathogenic (2). Last evaluated 2025-12-18.

Conditions:
VPS13A-related neurodegenerative disease. Also called: LEVINE-CRITCHLEY SYNDROME; ACANTHOCYTOSIS WITH NEUROLOGIC DISORDER; Choreoacanthocytosis; Chorea-acanthocytosis; Choreaacanthocytosis; VPS13A Disease. Identifiers: Orphanet 2388, MedGen C0393576, MONDO:0008695, OMIM 200150.

Submissions (2):

Labcorp Genetics (formerly Invitae), Labcorp
Classification: Pathogenic. Last evaluated: 2025-12-18. Review status: criteria provided, single submitter. Criteria: Invitae Variant Classification Sherloc (09022015). Collection method: clinical testing. Allele origin: germline.
Comment: This sequence change creates a premature translational stop signal (p.Val125*) in the VPS13A gene. It is expected to result in an absent or disrupted protein product. Loss-of-function variants in VPS13A are known to be pathogenic (PMID: 12404112, 21598378). This variant is not present in population databases (gnomAD no frequency). This variant has not been reported in the literature in individuals affected with VPS13A-related conditions. For these reasons, this variant has been classified as Pathogenic.

Myriad Genetics, Inc.
Classification: Pathogenic for VPS13A-related neurodegenerative disease. Last evaluated: 2025-10-08. Review status: criteria provided, single submitter. Criteria: Myriad Autosomal Dominant, Autosomal Recessive and X-Linked Classification Criteria (2023). Collection method: clinical testing. Allele origin: unknown.
Comment: NM_033305.2(VPS13A):c.372delA(V125*) is a nonsense variant classified as pathogenic in the context of VPS13A disease. V125* has not been observed in cases with relevant disease. Relevant functional assessments of this variant are not available in the literature. V125* has not been observed in referenced population frequency databases. In summary, NM_033305.2(VPS13A):c.372delA(V125*) is a nonsense variant in a gene where loss of function is a known mechanism of disease and is predicted to disrupt protein function. Please note: this variant was assessed in the context of healthy population screening.

Literature cited by the submitters: PubMed 12404112 (cited by Labcorp Genetics (formerly Invitae), Labcorp); PubMed 21598378 (cited by Labcorp Genetics (formerly Invitae), Labcorp).

NM_033305.3(VPS13A):c.372del (p.Lys124_Val125insTer)

Gene: VPS13A (vacuolar protein sorting 13 homolog A; plus strand). Cytogenetic location: 9q21.2.
Variant type: Deletion.
Coding change: c.372del on transcript NM_033305.3 (MANE Select); coding-DNA position 372, one base deleted (A; older notation c.372delA).
Protein change: p.Lys124_Val125insTer.
Molecular consequence: frameshift variant.
Genome position (GRCh38, 1-based): chr9:77,206,066, A deleted; the last of 5 consecutive A bases (chr9:77,206,062-77,206,066); deleting any one gives the same sequence. VCF-style (leftmost placement, unchanged base first): chr9-77206061-CA-C. GRCh37 (hg19) VCF-style: chr9-79820977-CA-C.
Other names: c.372del, p.Lys124_Val125insTer (NM_001018037.2, NM_001018038.3, NM_015186.4).
Identifiers: ClinVar variation 4733012 (VCV004733012.2).